The following is an entry in ClinVar:

NM_138711.6(PPARG):c.894C>A (p.Ala298=)

Gene: PPARG (peroxisome proliferator activated receptor gamma; plus strand). Cytogenetic location: 3p25.2.
Variant type: single nucleotide variant.
Coding change: c.894C>A on transcript NM_138711.6 (MANE Select); coding-DNA position 894, C replaced by A.
Protein change: p.Ala298=; no amino-acid change (alanine 298 retained).
Molecular consequence: synonymous variant. On other transcripts: intron variant (5).
Genome position (GRCh38, 1-based): chr3:12,416,868, C>A. VCF-style: chr3-12416868-C-A. GRCh37 (hg19) VCF-style: chr3-12458367-C-A.
Other names: c.894C>A, p.Ala298= (NM_001354666.3, NM_001354667.3, NM_001374263.2 and 3 more transcripts); c.267C>A, p.Ala89= (NM_001354669.2); c.984C>A, p.Ala328= (NM_015869.5); c.729+10787C>A (NM_001374261.3, NM_001374262.3, NM_001330615.4); c.653+10869C>A (NM_001374266.1); c.819+10787C>A (NM_001374265.1).
Identifiers: ClinVar variation 712679 (VCV000712679.11), dbSNP rs191342668, ClinGen allele CA2258296.

ClinVar aggregate classification (germline): Benign. Review status: criteria provided, single submitter (1 of 4 stars). 2 submissions from 2 submitters: Benign (1). 1 of the submissions does not count toward it. Last evaluated 2026-01-12.

Conditions:
PPARG-related disorder. Also called: PPARG-related condition; PPARG-related disorders.

Allele frequency attached by ClinVar (database versions not stated): gnomAD 0.00003; gnomAD exomes 0.00005 and 0.00024; TOPMed 0.00011; 1000 Genomes Project 30x 0.00016; 1000 Genomes Project 0.00020; ExAC 0.00020.
gnomAD v4.1: 71 of 1,614,088 alleles (0.0044%); highest among the groups gnomAD compares: Admixed American, 0.12%; no homozygotes.

Submissions (2):

Labcorp Genetics (formerly Invitae), Labcorp
Classification: Benign. Last evaluated: 2026-01-12. Review status: criteria provided, single submitter. Criteria: Invitae Variant Classification Sherloc (09022015). Collection method: clinical testing. Allele origin: germline.

PreventionGenetics, part of Exact Sciences
Classification: Likely benign for PPARG-related condition. Last evaluated: 2022-03-07. Review status: no assertion criteria provided. Collection method: clinical testing. Allele origin: germline. Not counted in ClinVar's aggregate classification.
Comment: This variant is classified as likely benign based on ACMG/AMP sequence variant interpretation guidelines (Richards et al. 2015 PMID: 25741868, with internal and published modifications).